The following is an entry in ClinVar:

NM_001165963.4(SCN1A):c.4582-3C>T

Genes: SCN1A (sodium voltage-gated channel alpha subunit 1; minus strand), LOC102724058 (uncharacterized LOC102724058; plus strand). Cytogenetic location: 2q24.3.
Variant type: single nucleotide variant.
Coding change: c.4582-3C>T on transcript NM_001165963.4 (MANE Select); 3 bases into the intron before coding-DNA position 4582, C replaced by T.
Molecular consequence: intron variant.
Genome position (GRCh38, 1-based): chr2:165,994,419, G>A on the plus strand (C>T on the coding strand, the complement: SCN1A is on the minus strand). VCF-style: chr2-165994419-G-A. GRCh37 (hg19) VCF-style: chr2-166850929-G-A.
Other names: c.4549-3C>T (NM_001353949.2, NM_001353950.2, NM_001353951.2 and 2 more transcripts); c.4498-3C>T (NM_001353958.2, NM_001353957.2, NM_001165964.3); c.4582-3C>T (NM_001202435.3, NM_001353948.2); c.4546-3C>T (NM_001353955.2, NM_001353954.2); c.4495-3C>T (NM_001353960.2); c.2140-3C>T (NM_001353961.2).
Identifiers: ClinVar variation 374761 (VCV000374761.4), dbSNP rs747649993, ClinGen allele CA1942762.

ClinVar aggregate classification (germline): Uncertain significance. Review status: criteria provided, multiple submitters, no conflicts (2 of 4 stars). 2 submissions from 2 submitters: Uncertain significance (2). Last evaluated 2022-11-07.

Allele frequency attached by ClinVar (database versions not stated): ExAC 0.00001; gnomAD 0.00001; gnomAD exomes 0.00001.
gnomAD v4.1: 6 of 1,612,260 alleles (0.00037%); highest among the groups gnomAD compares: Non-Finnish European, 0.000085%; no homozygotes.

Submissions (2):

GeneDx
Classification: Uncertain significance. Last evaluated: 2022-11-07. Review status: criteria provided, single submitter. Criteria: GeneDx Variant Classification Process June 2021. Collection method: clinical testing. Allele origin: germline. Affected: yes.
Comment: Reported previously as IVS 24-3T>C in an individual with intractable epilepsy; segregation analysis was not performed (Wang et al., 2012); Not observed at significant frequency in large population cohorts (gnomAD); In silico analysis supports that this variant does not alter splicing; This variant is associated with the following publications: (PMID: 29408779, 23195492)

CeGaT Center for Human Genetics Tuebingen
Classification: Uncertain significance. Last evaluated: 2016-07-31. Review status: criteria provided, single submitter. Criteria: Praxis fuer Humangenetik Tuebingen - Variant Classification Criteria. Collection method: clinical testing. Allele origin: germline. Affected: yes. Observed: 1 variant allele.